The following is an entry in ClinVar:

NM_021813.4(BACH2):c.1997G>A (p.Arg666Lys)

Gene: BACH2 (BACH transcriptional regulator 2; minus strand). Cytogenetic location: 6q15.
Variant type: single nucleotide variant.
Coding change: c.1997G>A on transcript NM_021813.4 (MANE Select); coding-DNA position 1997, G replaced by A.
Protein change: p.Arg666Lys; replaces arginine 666 with lysine.
Molecular consequence: missense variant.
Genome position (GRCh38, 1-based): chr6:89,938,190, C>T on the plus strand (G>A on the coding strand, the complement: BACH2 is on the minus strand). VCF-style: chr6-89938190-C-T. GRCh37 (hg19) VCF-style: chr6-90647909-C-T.
Other names: c.1997G>A, p.Arg666Lys (NM_001170794.2); short protein forms R666K.
Identifiers: ClinVar variation 1999840 (VCV001999840.4), dbSNP rs2533545914, ClinGen allele CA365069284.

ClinVar aggregate classification (germline): Uncertain significance (1 of 4 stars; one submission).

Submission:

Labcorp Genetics (formerly Invitae), Labcorp
Classification: Uncertain significance. Last evaluated: 2022-05-28. Review status: criteria provided, single submitter. Criteria: Invitae Variant Classification Sherloc (09022015). Collection method: clinical testing. Allele origin: germline.
Comment: This sequence change replaces arginine, which is basic and polar, with lysine, which is basic and polar, at codon 666 of the BACH2 protein (p.Arg666Lys). This variant is not present in population databases (gnomAD no frequency). This variant has not been reported in the literature in individuals affected with BACH2-related conditions. In summary, the available evidence is currently insufficient to determine the role of this variant in disease. Therefore, it has been classified as a Variant of Uncertain Significance. Algorithms developed to predict the effect of missense changes on protein structure and function are either unavailable or do not agree on the potential impact of this missense change (SIFT: "Deleterious"; PolyPhen-2: "Probably Damaging"; Align-GVGD: "Class C0").